The following is an entry in ClinVar:

ClinVar aggregate classification (germline): Uncertain significance (1 of 4 stars; one submission).

gnomAD v4.1: 5 of 1,614,010 alleles (0.00031%); highest among the groups gnomAD compares: South Asian, 0.0055%; no homozygotes.

Submission:

Labcorp Genetics (formerly Invitae), Labcorp
Classification: Uncertain significance. Last evaluated: 2023-01-16. Review status: criteria provided, single submitter. Criteria: Invitae Variant Classification Sherloc (09022015). Collection method: clinical testing. Allele origin: germline.
Comment: This sequence change replaces histidine, which is basic and polar, with proline, which is neutral and non-polar, at codon 691 of the NALCN protein (p.His691Pro). This variant is present in population databases (rs771625258, gnomAD 0.01%). This variant has not been reported in the literature in individuals affected with NALCN-related conditions. Advanced modeling of protein sequence and biophysical properties (such as structural, functional, and spatial information, amino acid conservation, physicochemical variation, residue mobility, and thermodynamic stability) performed at Invitae indicates that this missense variant is not expected to disrupt NALCN protein function. In summary, the available evidence is currently insufficient to determine the role of this variant in disease. Therefore, it has been classified as a Variant of Uncertain Significance.

NM_052867.4(NALCN):c.2072A>C (p.His691Pro)

Gene: NALCN (sodium leak channel, non-selective; minus strand). Cytogenetic location: 13q33.1.
Variant type: single nucleotide variant.
Coding change: c.2072A>C on transcript NM_052867.4 (MANE Select); coding-DNA position 2072, A replaced by C.
Protein change: p.His691Pro; replaces histidine 691 with proline.
Molecular consequence: missense variant.
Genome position (GRCh38, 1-based): chr13:101,143,126, T>G on the plus strand (A>C on the coding strand, the complement: NALCN is on the minus strand). VCF-style: chr13-101143126-T-G. GRCh37 (hg19) VCF-style: chr13-101795477-T-G.
Other names: c.2072A>C, p.His691Pro (NM_001350748.2, NM_001350749.2); c.1985A>C, p.His662Pro (NM_001350750.2, NM_001350751.2); short protein forms H691P, H662P.
Identifiers: ClinVar variation 2815224 (VCV002815224.3), dbSNP rs771625258, ClinGen allele CA7035985.